The following is an entry in ClinVar:

NM_003764.4(STX11):c.221C>T (p.Thr74Met)

Gene: STX11 (syntaxin 11; plus strand). Cytogenetic location: 6q24.2.
Variant type: single nucleotide variant.
Coding change: c.221C>T on transcript NM_003764.4 (MANE Select); coding-DNA position 221, C replaced by T.
Protein change: p.Thr74Met; replaces threonine 74 with methionine.
Molecular consequence: missense variant.
Genome position (GRCh38, 1-based): chr6:144,186,848, C>T. VCF-style: chr6-144186848-C-T. GRCh37 (hg19) VCF-style: chr6-144507985-C-T.
Other names: short protein forms T74M.
Identifiers: ClinVar variation 790834 (VCV000790834.20), dbSNP rs540150447, ClinGen allele CA4031655.

ClinVar aggregate classification (germline): Conflicting classifications of pathogenicity. Review status: criteria provided, conflicting classifications (1 of 4 stars). 4 submissions from 4 submitters: Uncertain significance (2); Likely benign (1). 1 of the submissions does not count toward it. Last evaluated 2026-01-28.

Conditions:
STX11-related disorder. Also called: STX11-related condition.
Autoinflammatory syndrome. Identifiers: Orphanet 93665, MedGen C3890737, MONDO:0019751.
Familial hemophagocytic lymphohistiocytosis 4 (FHL4). Also called: STX11-Related Familial Hemophagocytic Lymphohistiocytosis (STX11-fHLH). Identifiers: Orphanet 540, MedGen C1863728, MONDO:0011336, OMIM 603552.

Allele frequency attached by ClinVar (database versions not stated): gnomAD below 0.00001 and 0.00029; TOPMed 0.00006; gnomAD exomes 0.00087; ExAC 0.00107; 1000 Genomes Project 30x 0.00312; 1000 Genomes Project 0.00359.
gnomAD v4.1: 709 of 1,613,210 alleles (0.044%); highest among the groups gnomAD compares: South Asian, 0.74%; 5 homozygotes.

Submissions (4):

Labcorp Genetics (formerly Invitae), Labcorp
Classification: Likely benign for Familial hemophagocytic lymphohistiocytosis 4. Last evaluated: 2026-01-28. Review status: criteria provided, single submitter. Criteria: Invitae Variant Classification Sherloc (09022015). Collection method: clinical testing. Allele origin: germline.

Illumina Laboratory Services, Illumina
Classification: Uncertain significance for Familial hemophagocytic lymphohistiocytosis 4. Last evaluated: 2017-04-27. Review status: criteria provided, single submitter. Criteria: ICSL Variant Classification Criteria 13 December 2019. Collection method: clinical testing. Allele origin: germline.

Genome Diagnostics Laboratory, The Hospital for Sick Children
Classification: Uncertain significance for Autoinflammatory syndrome. Last evaluated: 2016-12-12. Review status: criteria provided, single submitter. Criteria: ACMG Guidelines, 2015. Collection method: clinical testing. Allele origin: germline. Affected: yes.

PreventionGenetics, part of Exact Sciences
Classification: Likely benign for STX11-related condition. Last evaluated: 2023-08-01. Review status: no assertion criteria provided. Collection method: clinical testing. Allele origin: germline. Not counted in ClinVar's aggregate classification.
Comment: This variant is classified as likely benign based on ACMG/AMP sequence variant interpretation guidelines (Richards et al. 2015 PMID: 25741868, with internal and published modifications).